The following is an entry in ClinVar:

ClinVar aggregate classification (germline): Pathogenic (1 of 4 stars; one submission).

Submission:

Labcorp Genetics (formerly Invitae), Labcorp
Classification: Pathogenic. Last evaluated: 2022-07-05. Review status: criteria provided, single submitter. Criteria: Invitae Variant Classification Sherloc (09022015). Collection method: clinical testing. Allele origin: germline.
Comment: This sequence change creates a premature translational stop signal (p.Glu131Argfs*29) in the TDP2 gene. It is expected to result in an absent or disrupted protein product. Loss-of-function variants in TDP2 are known to be pathogenic (PMID: 24658003). This variant is not present in population databases (gnomAD no frequency). This variant has not been reported in the literature in individuals affected with TDP2-related conditions. For these reasons, this variant has been classified as Pathogenic.

Literature cited by the submitters: PubMed 24658003.

NM_016614.3(TDP2):c.390dup (p.Glu131fs)

Gene: TDP2 (tyrosyl-DNA phosphodiesterase 2; minus strand). Cytogenetic location: 6p22.3.
Variant type: Duplication.
Coding change: c.390dup on transcript NM_016614.3 (MANE Select); coding-DNA position 390, one base duplicated (A; older notation c.390dupA).
Protein change: p.Glu131fs; shifts the reading frame from glutamic acid 131.
Molecular consequence: frameshift variant.
Genome position (GRCh38, 1-based): chr6:24,658,596, T duplicated on the plus strand (A on the coding strand, the reverse complement: TDP2 is on the minus strand). VCF-style (leftmost placement, unchanged base first): chr6-24658595-C-CT. GRCh37 (hg19) VCF-style: chr6-24658823-C-CT.
Other names: short protein forms E131fs.
Identifiers: ClinVar variation 2139718 (VCV002139718.1), dbSNP rs2532243005, ClinGen allele CA2580074248.